The following is an entry in ClinVar:

ClinVar aggregate classification (germline): Uncertain significance (1 of 4 stars; one submission).

Conditions:
Glycine encephalopathy. Also called: Non-ketotic hyperglycinemia; Nonketotic hyperglycinemia. Identifiers: Orphanet 407, MedGen C0751748, MONDO:0011612, HP:0008288.

gnomAD v4.1: 5 of 1,613,780 alleles (0.00031%); highest among the groups gnomAD compares: Non-Finnish European, 0.00042%; no homozygotes.

Submission:

Labcorp Genetics (formerly Invitae), Labcorp
Classification: Uncertain significance for Glycine encephalopathy. Last evaluated: 2019-07-11. Review status: criteria provided, single submitter. Criteria: Invitae Variant Classification Sherloc (09022015). Collection method: clinical testing. Allele origin: germline.
Comment: This sequence change replaces lysine with asparagine at codon 574 of the GLDC protein (p.Lys574Asn). The lysine residue is weakly conserved and there is a moderate physicochemical difference between lysine and asparagine. This variant is not present in population databases (ExAC no frequency). This variant has not been reported in the literature in individuals with GLDC-related disease. Algorithms developed to predict the effect of missense changes on protein structure and function output the following: SIFT: "Tolerated"; PolyPhen-2: "Benign"; Align-GVGD: "Class C0". The asparagine amino acid residue is found in multiple mammalian species, suggesting that this missense change does not adversely affect protein function. These predictions have not been confirmed by published functional studies and their clinical significance is uncertain. In summary, the available evidence is currently insufficient to determine the role of this variant in disease. Therefore, it has been classified as a Variant of Uncertain Significance.

NM_000170.3(GLDC):c.1722A>C (p.Lys574Asn)

Gene: GLDC (glycine decarboxylase; minus strand). Cytogenetic location: 9p24.1.
Variant type: single nucleotide variant.
Coding change: c.1722A>C on transcript NM_000170.3 (MANE Select); coding-DNA position 1722, A replaced by C.
Protein change: p.Lys574Asn; replaces lysine 574 with asparagine.
Molecular consequence: missense variant.
Genome position (GRCh38, 1-based): chr9:6,587,269, T>G on the plus strand (A>C on the coding strand, the complement: GLDC is on the minus strand). VCF-style: chr9-6587269-T-G. GRCh37 (hg19) VCF-style: chr9-6587269-T-G.
Other names: short protein forms K574N.
Identifiers: ClinVar variation 531777 (VCV000531777.11), dbSNP rs1554646530, ClinGen allele CA372891860.